The following is an entry in ClinVar:

NM_001081.4(CUBN):c.323G>A (p.Ser108Asn)

Gene: CUBN (cubilin; minus strand). Cytogenetic location: 10p13.
Variant type: single nucleotide variant.
Coding change: c.323G>A on transcript NM_001081.4 (MANE Select); coding-DNA position 323, G replaced by A.
Protein change: p.Ser108Asn; replaces serine 108 with asparagine.
Molecular consequence: missense variant.
Genome position (GRCh38, 1-based): chr10:17,127,854, C>T on the plus strand (G>A on the coding strand, the complement: CUBN is on the minus strand). VCF-style: chr10-17127854-C-T. GRCh37 (hg19) VCF-style: chr10-17169853-C-T.
Other names: c.323G>A (NM_001081.3); short protein forms S108N.
Identifiers: ClinVar variation 1397640 (VCV001397640.31), dbSNP rs543983858, ClinGen allele CA5425729.

ClinVar aggregate classification (germline): Uncertain significance. Review status: criteria provided, multiple submitters, no conflicts (2 of 4 stars). 4 submissions from 4 submitters: Uncertain significance (4). Last evaluated 2025-06-26.

Conditions:
Imerslund-Grasbeck syndrome type 1 (IGS1). Also called: MEGALOBLASTIC ANEMIA, 1; Imerslund-Gräsbeck syndrome 1; Megaloblastic anemia 1, Finnish type. Identifiers: MedGen C4016819, MONDO:0100156, OMIM 261100.
Proteinuria, chronic benign. Identifiers: MedGen C5394384, MONDO:0030042, OMIM 618884.
Imerslund-Grasbeck syndrome. Also called: ENTEROCYTE COBALAMIN MALABSORPTION; ENTEROCYTE INTRINSIC FACTOR RECEPTOR, DEFECT OF; Megaloblastic anemia due to inborn errors of metabolism; PERNICIOUS ANEMIA, JUVENILE, DUE TO SELECTIVE INTESTINAL MALABSORPTION OF VITAMIN B12, WITH PROTEINURIA; Imerslund-Gräsbeck syndrome. Identifiers: Orphanet 35858, MedGen C4551825, MONDO:0009853.
Inborn genetic diseases. Identifiers: MedGen C0950123, MeSH D030342.

Allele frequency attached by ClinVar (database versions not stated): gnomAD exomes 0.00006 and 0.00012; ExAC 0.00007; TOPMed 0.00007; gnomAD 0.00009 and 0.00010.
gnomAD v4.1: 192 of 1,612,672 alleles (0.012%); highest among the groups gnomAD compares: Non-Finnish European, 0.015%; no homozygotes.

Submissions (4):

Ambry Genetics
Classification: Uncertain significance for Inborn genetic diseases. Last evaluated: 2025-06-26. Review status: criteria provided, single submitter. Criteria: Ambry Variant Classification Scheme 2023. Collection method: clinical testing. Allele origin: germline.

Fulgent Genetics
Classification: Uncertain significance for Imerslund-Grasbeck syndrome type 1; Proteinuria, chronic benign. Last evaluated: 2024-02-06. Review status: criteria provided, single submitter. Criteria: ACMG Guidelines, 2015. Collection method: clinical testing. Allele origin: germline.

Labcorp Genetics (formerly Invitae), Labcorp
Classification: Uncertain significance for Imerslund-Grasbeck syndrome. Last evaluated: 2024-01-09. Review status: criteria provided, single submitter. Criteria: Invitae Variant Classification Sherloc (09022015). Collection method: clinical testing. Allele origin: germline.
Comment: This sequence change replaces serine, which is neutral and polar, with asparagine, which is neutral and polar, at codon 108 of the CUBN protein (p.Ser108Asn). This variant is present in population databases (rs543983858, gnomAD 0.01%). This variant has not been reported in the literature in individuals affected with CUBN-related conditions. ClinVar contains an entry for this variant (Variation ID: 1397640). Advanced modeling of protein sequence and biophysical properties (such as structural, functional, and spatial information, amino acid conservation, physicochemical variation, residue mobility, and thermodynamic stability) performed at Invitae indicates that this missense variant is not expected to disrupt CUBN protein function with a negative predictive value of 80%. In summary, the available evidence is currently insufficient to determine the role of this variant in disease. Therefore, it has been classified as a Variant of Uncertain Significance.

CeGaT Center for Human Genetics Tuebingen
Classification: Uncertain significance. Last evaluated: 2023-10-01. Review status: criteria provided, single submitter. Criteria: CeGaT Center For Human Genetics Tuebingen Variant Classification Criteria Version 2. Collection method: clinical testing. Allele origin: germline. Affected: yes. Observed: 1 variant allele.
Comment: CUBN: PM2, BP4